The following is an entry in ClinVar:

ClinVar aggregate classification (germline): Uncertain significance (1 of 4 stars; one submission).

Conditions:
Mucopolysaccharidosis, MPS-III-A (MPS3A). Also called: HEPARAN SULFATE SULFATASE DEFICIENCY; SANFILIPPO SYNDROME A; SULFAMIDASE DEFICIENCY; MPS III A; MPS IIIA (Sanfilippo Syndrome Type A); Mucopolysaccharidosis type IIIA (Sanfilippo A). Identifiers: Orphanet 581, Orphanet 79269, MedGen C0086647, MONDO:0009655, OMIM 252900.

Allele frequency attached by ClinVar (database versions not stated): ESP Exome Variant Server 0.00008; TOPMed 0.00002; ExAC 0.00003; gnomAD 0.00001; gnomAD exomes 0.00002.
gnomAD v4.1: 32 of 1,608,568 alleles (0.002%); highest among the groups gnomAD compares: South Asian, 0.0044%; no homozygotes.

Submission:

Labcorp Genetics (formerly Invitae), Labcorp
Classification: Uncertain significance for Mucopolysaccharidosis, MPS-III-A. Last evaluated: 2024-11-27. Review status: criteria provided, single submitter. Criteria: Invitae Variant Classification Sherloc (09022015). Collection method: clinical testing. Allele origin: germline.
Comment: This sequence change replaces arginine, which is basic and polar, with glutamine, which is neutral and polar, at codon 346 of the SGSH protein (p.Arg346Gln). This variant is present in population databases (rs367883023, gnomAD 0.007%). This variant has not been reported in the literature in individuals affected with SGSH-related conditions. ClinVar contains an entry for this variant (Variation ID: 1485817). Invitae Evidence Modeling of protein sequence and biophysical properties (such as structural, functional, and spatial information, amino acid conservation, physicochemical variation, residue mobility, and thermodynamic stability) indicates that this missense variant is not expected to disrupt SGSH protein function with a negative predictive value of 80%. In summary, the available evidence is currently insufficient to determine the role of this variant in disease. Therefore, it has been classified as a Variant of Uncertain Significance.

NM_000199.5(SGSH):c.1037G>A (p.Arg346Gln)

Gene: SGSH (N-sulfoglucosamine sulfohydrolase; minus strand). Cytogenetic location: 17q25.3.
Variant type: single nucleotide variant.
Coding change: c.1037G>A on transcript NM_000199.5 (MANE Select); coding-DNA position 1037, G replaced by A.
Protein change: p.Arg346Gln; replaces arginine 346 with glutamine.
Molecular consequence: missense variant. On other transcripts: 3 prime UTR variant (2), non-coding transcript variant (1).
Genome position (GRCh38, 1-based): chr17:80,210,924, C>T on the plus strand (G>A on the coding strand, the complement: SGSH is on the minus strand). VCF-style: chr17-80210924-C-T. GRCh37 (hg19) VCF-style: chr17-78184723-C-T.
Other names: c.*124G>A (NM_001352921.3); c.*87G>A (NM_001352922.2); short protein forms R346Q.
Identifiers: ClinVar variation 1485817 (VCV001485817.6), dbSNP rs367883023, ClinGen allele CA8817690.
Genomic context (GRCh38, chr17:80,210,924, plus strand): 5'-CTCTGGCTGCCAAAGACGGTGGCCCAGAGGGGCTCGGCCTCCAGCGCCGGCAGGAGGGAC[C>T]GGCCAGTGAGGTGGATGGTCTTCGAGCCAAAGATGGCGTAGCTGGGGTACGGGATCGAGA-3'
Protein context (NP_000190.1, residues 336-356): FGSKTIHLTG[Arg346Gln]SLLPALEAEP